The following is an entry in ClinVar:

NM_198525.3(KIF7):c.2654C>T (p.Ala885Val)

Gene: KIF7 (kinesin family member 7; minus strand). Cytogenetic location: 15q26.1.
Variant type: single nucleotide variant.
Coding change: c.2654C>T on transcript NM_198525.3 (MANE Select); coding-DNA position 2654, C replaced by T.
Protein change: p.Ala885Val; replaces alanine 885 with valine.
Molecular consequence: missense variant.
Genome position (GRCh38, 1-based): chr15:89,633,205, G>A on the plus strand (C>T on the coding strand, the complement: KIF7 is on the minus strand). VCF-style: chr15-89633205-G-A. GRCh37 (hg19) VCF-style: chr15-90176436-G-A.
Other names: short protein forms A885V.
Identifiers: ClinVar variation 531995 (VCV000531995.7), dbSNP rs774073055, ClinGen allele CA7728053.

ClinVar aggregate classification (germline): Uncertain significance. Review status: criteria provided, multiple submitters, no conflicts (2 of 4 stars). 2 submissions from 2 submitters: Uncertain significance (2). Last evaluated 2024-03-15.

Conditions:
Inborn genetic diseases. Identifiers: MedGen C0950123, MeSH D030342.
Acrocallosal syndrome (ACLS). Also called: HALLUX DUPLICATION, POSTAXIAL POLYDACTYLY, AND ABSENCE OF CORPUS CALLOSUM; Schinzel syndrome 1; Absence of corpus callosum with unusual facial appearance, mental deficiency, duplication of the halluces and polydactyly. Identifiers: Orphanet 36, MedGen C0796147, MONDO:0008708, OMIM 200990.

Allele frequency attached by ClinVar (database versions not stated): TOPMed 0.00001.
gnomAD v4.1: 26 of 1,600,786 alleles (0.0016%); highest among the groups gnomAD compares: Middle Eastern, 0.017%; no homozygotes.

Submissions (2):

Labcorp Genetics (formerly Invitae), Labcorp
Classification: Uncertain significance for Acrocallosal syndrome. Last evaluated: 2024-03-15. Review status: criteria provided, single submitter. Criteria: Invitae Variant Classification Sherloc (09022015). Collection method: clinical testing. Allele origin: germline.
Comment: This sequence change replaces alanine, which is neutral and non-polar, with valine, which is neutral and non-polar, at codon 885 of the KIF7 protein (p.Ala885Val). The frequency data for this variant in the population databases is considered unreliable, as metrics indicate poor data quality at this position in the gnomAD database. This variant has not been reported in the literature in individuals affected with KIF7-related conditions. ClinVar contains an entry for this variant (Variation ID: 531995). Advanced modeling of protein sequence and biophysical properties (such as structural, functional, and spatial information, amino acid conservation, physicochemical variation, residue mobility, and thermodynamic stability) has been performed at Invitae for this missense variant, however the output from this modeling did not meet the statistical confidence thresholds required to predict the impact of this variant on KIF7 protein function. In summary, the available evidence is currently insufficient to determine the role of this variant in disease. Therefore, it has been classified as a Variant of Uncertain Significance.

Ambry Genetics
Classification: Uncertain significance for Inborn genetic diseases. Last evaluated: 2023-11-07. Review status: criteria provided, single submitter. Criteria: Ambry Variant Classification Scheme 2023. Collection method: clinical testing. Allele origin: germline.